The following is an entry in ClinVar:

ClinVar aggregate classification (germline): Benign (0 of 4 stars; one submission).

Conditions:
DCHS2-related disorder. Also called: DCHS2-related condition.

Allele frequency attached by ClinVar (database versions not stated): gnomAD exomes 0.00042; ExAC 0.00139; 1000 Genomes Project 30x 0.00375; gnomAD 0.00411; 1000 Genomes Project 0.00419; TOPMed 0.00462; ESP Exome Variant Server 0.00515.

Submission:

PreventionGenetics, part of Exact Sciences
Classification: Benign for DCHS2-related condition. Last evaluated: 2019-09-19. Review status: no assertion criteria provided. Collection method: clinical testing. Allele origin: germline.
Comment: This variant is classified as benign based on ACMG/AMP sequence variant interpretation guidelines (Richards et al. 2015 PMID: 25741868, with internal and published modifications).

NM_001358235.2(DCHS2):c.8074C>T (p.Arg2692Cys)

Genes: DCHS2-AS1 (DCHS2 antisense RNA 1; plus strand), DCHS2 (dachsous cadherin-related 2; minus strand). Cytogenetic location: 4q31.3.
Variant type: single nucleotide variant.
Coding change: c.8074C>T on transcript NM_001358235.2 (MANE Select); coding-DNA position 8074, C replaced by T.
Protein change: p.Arg2692Cys; replaces arginine 2692 with cysteine.
Molecular consequence: missense variant.
Genome position (GRCh38, 1-based): chr4:154,236,578, G>A on the plus strand (C>T on the coding strand, the complement: DCHS2 is on the minus strand). VCF-style: chr4-154236578-G-A. GRCh37 (hg19) VCF-style: chr4-155157730-G-A.
Other names: short protein forms R2692C.
Identifiers: ClinVar variation 3050011 (VCV003050011.2), dbSNP rs61746061, ClinGen allele CA3111988.